The following is an entry in ClinVar:

NM_003839.4(TNFRSF11A):c.710A>G (p.Lys237Arg)

Gene: TNFRSF11A (TNF receptor superfamily member 11a; plus strand). Cytogenetic location: 18q21.33.
Variant type: single nucleotide variant.
Coding change: c.710A>G on transcript NM_003839.4 (MANE Select); coding-DNA position 710, A replaced by G.
Protein change: p.Lys237Arg; replaces lysine 237 with arginine.
Molecular consequence: missense variant. On other transcripts: intron variant (1).
Genome position (GRCh38, 1-based): chr18:62,361,773, A>G. VCF-style: chr18-62361773-A-G. GRCh37 (hg19) VCF-style: chr18-60029006-A-G.
Other names: c.710A>G, p.Lys237Arg (NM_001270949.2, NM_001270950.2); c.668A>G, p.Lys223Arg (NM_001278268.2); c.616+1724A>G (NM_001270951.2); short protein forms K223R, K237R.
Identifiers: ClinVar variation 1482479 (VCV001482479.6), dbSNP rs770284408, ClinGen allele CA8983839.
Genomic context (GRCh38, chr18:62,361,773, plus strand): 5'-TGCTTCTCTTCGCGTCTGTGGCCCTGGTGGCTGCCATCATCTTTGGCGTTTGCTATAGGA[A>G]AAAAGGGAAAGCACTCACAGGTATTGTGTCTATGGTGGTTTTTGCAAACCAATCTTAAAA-3'
Protein context (NP_003830.1, residues 227-247): AAIIFGVCYR[Lys237Arg]KGKALTANLW

ClinVar aggregate classification (germline): Uncertain significance (1 of 4 stars; one submission).

Allele frequency attached by ClinVar (database versions not stated): ExAC 0.00001; gnomAD exomes 0.00001; TOPMed 0.00001.
gnomAD v4.1: 5 of 1,614,074 alleles (0.00031%); highest among the groups gnomAD compares: Admixed American, 0.005%; no homozygotes.

Submission:

Labcorp Genetics (formerly Invitae), Labcorp
Classification: Uncertain significance. Last evaluated: 2025-06-15. Review status: criteria provided, single submitter. Criteria: Invitae Variant Classification Sherloc (09022015). Collection method: clinical testing. Allele origin: germline.
Comment: This sequence change replaces lysine, which is basic and polar, with arginine, which is basic and polar, at codon 237 of the TNFRSF11A protein (p.Lys237Arg). This variant is present in population databases (rs770284408, gnomAD 0.01%). This variant has not been reported in the literature in individuals affected with TNFRSF11A-related conditions. ClinVar contains an entry for this variant (Variation ID: 1482479). An algorithm developed to predict the effect of missense changes on protein structure and function outputs the following: PolyPhen-2: "Possibly Damaging". The arginine amino acid residue is found in multiple mammalian species, which suggests that this missense change does not adversely affect protein function. In summary, the available evidence is currently insufficient to determine the role of this variant in disease. Therefore, it has been classified as a Variant of Uncertain Significance.